The following is an entry in ClinVar:

ClinVar aggregate classification (germline): Uncertain significance (1 of 4 stars; one submission).

Conditions:
Myelodysplastic syndrome (MDS). Also called: MYELODYSPLASTIC SYNDROME, SUSCEPTIBILITY TO; Myelodysplastic syndrome, somatic; Myelodysplastic syndromes. Identifiers: Orphanet 52688, MedGen C3463824, MeSH D009190, MONDO:0018881, OMIM 614286.

Submission:

Laboratory of Medical Genetics, National & Kapodistrian University of Athens
Classification: Uncertain significance for Myelodysplastic syndrome. Last evaluated: 2022-09-22. Review status: criteria provided, single submitter. Criteria: ACMG Guidelines, 2015. Collection method: clinical testing. Allele origin: germline. Affected: yes.
Comment: PM2, PP2, BP4

NM_012433.4(SF3B1):c.207C>G (p.Asp69Glu)

Gene: SF3B1 (splicing factor 3b subunit 1; minus strand). Cytogenetic location: 2q33.1.
Variant type: single nucleotide variant.
Coding change: c.207C>G on transcript NM_012433.4 (MANE Select); coding-DNA position 207, C replaced by G.
Protein change: p.Asp69Glu; replaces aspartic acid 69 with glutamic acid.
Molecular consequence: missense variant.
Genome position (GRCh38, 1-based): chr2:197,421,122, G>C on the plus strand (C>G on the coding strand, the complement: SF3B1 is on the minus strand). VCF-style: chr2-197421122-G-C. GRCh37 (hg19) VCF-style: chr2-198285846-G-C.
Other names: c.207C>G, p.Asp69Glu (NM_001005526.2, NM_001308824.1); short protein forms D69E.
Identifiers: ClinVar variation 1708120 (VCV001708120.1), dbSNP rs2085234371, ClinGen allele CA350206480.